The following is an entry in ClinVar:

NM_002691.4(POLD1):c.1868G>C (p.Arg623Pro)

Gene: POLD1 (DNA polymerase delta 1, catalytic subunit; plus strand). Cytogenetic location: 19q13.33.
Variant type: single nucleotide variant.
Coding change: c.1868G>C on transcript NM_002691.4 (MANE Select); coding-DNA position 1868, G replaced by C.
Protein change: p.Arg623Pro; replaces arginine 623 with proline.
Molecular consequence: missense variant. On other transcripts: non-coding transcript variant (1).
Genome position (GRCh38, 1-based): chr19:50,408,877, G>C. VCF-style: chr19-50408877-G-C. GRCh37 (hg19) VCF-style: chr19-50912134-G-C.
Other names: c.1868G>C, p.Arg623Pro (NM_001256849.1, NM_001438210.1, NM_001438211.1 and 2 more transcripts); c.1946G>C, p.Arg649Pro (NM_001308632.1); short protein forms R623P, R649P.
Identifiers: ClinVar variation 4742283 (VCV004742283.1).

ClinVar aggregate classification (germline): Uncertain significance (1 of 4 stars; one submission).

Conditions:
POLD1-related polyposis and colorectal cancer syndrome (CRCS10). Also called: COLORECTAL CANCER, SUSCEPTIBILITY TO, ON CHROMOSOME 19q; Colorectal cancer 10; Colorectal cancer, susceptibility to, 10. Identifiers: Orphanet 220460, MedGen C2675481, MONDO:0012953, OMIM 612591.

Submission:

Labcorp Genetics (formerly Invitae), Labcorp
Classification: Uncertain significance for POLD1-related polyposis and colorectal cancer syndrome. Last evaluated: 2025-08-15. Review status: criteria provided, single submitter. Criteria: Invitae Variant Classification Sherloc (09022015). Collection method: clinical testing. Allele origin: germline.
Comment: This sequence change replaces arginine, which is basic and polar, with proline, which is neutral and non-polar, at codon 623 of the POLD1 protein (p.Arg623Pro). This variant is not present in population databases (gnomAD no frequency). This variant has not been reported in the literature in individuals affected with POLD1-related conditions. Invitae Evidence Modeling of protein sequence and biophysical properties (such as structural, functional, and spatial information, amino acid conservation, physicochemical variation, residue mobility, and thermodynamic stability) indicates that this missense variant is not expected to disrupt POLD1 protein function with a negative predictive value of 80%. In summary, the available evidence is currently insufficient to determine the role of this variant in disease. Therefore, it has been classified as a Variant of Uncertain Significance.